The following is an entry in ClinVar:

NM_000062.3(SERPING1):c.65C>T (p.Ser22Leu)

Gene: SERPING1 (serpin family G member 1; plus strand). Cytogenetic location: 11q12.1.
Variant type: single nucleotide variant.
Coding change: c.65C>T on transcript NM_000062.3 (MANE Select); coding-DNA position 65, C replaced by T.
Protein change: p.Ser22Leu; replaces serine 22 with leucine.
Molecular consequence: missense variant.
Genome position (GRCh38, 1-based): chr11:57,599,892, C>T. VCF-style: chr11-57599892-C-T. GRCh37 (hg19) VCF-style: chr11-57367365-C-T.
Other names: c.65C>T, p.Ser22Leu (NM_001032295.2); short protein forms S22L.
Identifiers: ClinVar variation 1365661 (VCV001365661.6), dbSNP rs952441370, ClinGen allele CA223053942.

ClinVar aggregate classification (germline): Uncertain significance (1 of 4 stars; one submission).

Allele frequency attached by ClinVar (database versions not stated): gnomAD exomes below 0.00001 and 0.00001; gnomAD 0.00001; TOPMed 0.00001.

Submission:

Labcorp Genetics (formerly Invitae), Labcorp
Classification: Uncertain significance. Last evaluated: 2023-11-28. Review status: criteria provided, single submitter. Criteria: Invitae Variant Classification Sherloc (09022015). Collection method: clinical testing. Allele origin: germline.
Comment: This sequence change replaces serine, which is neutral and polar, with leucine, which is neutral and non-polar, at codon 22 of the SERPING1 protein (p.Ser22Leu). This variant is present in population databases (no rsID available, gnomAD no frequency). This variant has not been reported in the literature in individuals affected with SERPING1-related conditions. ClinVar contains an entry for this variant (Variation ID: 1365661). Advanced modeling of protein sequence and biophysical properties (such as structural, functional, and spatial information, amino acid conservation, physicochemical variation, residue mobility, and thermodynamic stability) performed at Invitae indicates that this missense variant is not expected to disrupt SERPING1 protein function with a negative predictive value of 95%. In summary, the available evidence is currently insufficient to determine the role of this variant in disease. Therefore, it has been classified as a Variant of Uncertain Significance.